The following is an entry in ClinVar:

NM_004360.5(CDH1):c.890A>G (p.Asn297Ser)

Gene: CDH1 (cadherin 1; plus strand). Cytogenetic location: 16q22.1.
Variant type: single nucleotide variant.
Coding change: c.890A>G on transcript NM_004360.5 (MANE Select); coding-DNA position 890, A replaced by G.
Protein change: p.Asn297Ser; replaces asparagine 297 with serine.
Molecular consequence: missense variant. On other transcripts: 5 prime UTR variant (2).
Genome position (GRCh38, 1-based): chr16:68,811,741, A>G. VCF-style: chr16-68811741-A-G. GRCh37 (hg19) VCF-style: chr16-68845644-A-G.
Other names: c.890A>G, p.Asn297Ser (NM_001317184.2); c.-726A>G (NM_001317185.2); c.-930A>G (NM_001317186.2); c.890A>G (NM_004360.3); short protein forms N297S.
Identifiers: ClinVar variation 1171418 (VCV001171418.11), dbSNP rs572375953, ClinGen allele CA8129950.

ClinVar aggregate classification (germline): Uncertain significance. Review status: criteria provided, multiple submitters, no conflicts (2 of 4 stars). 3 submissions from 3 submitters: Uncertain significance (3). Last evaluated 2026-08-03.

Conditions:
Hereditary cancer-predisposing syndrome. Also called: Neoplastic Syndromes, Hereditary; Tumor predisposition; Hereditary Cancer Syndrome; Hereditary neoplastic syndrome. Identifiers: Orphanet 140162, MedGen C0027672, MeSH D009386, MONDO:0015356.
Hereditary diffuse gastric adenocarcinoma (HDGC). Also called: DIFFUSE GASTRIC AND LOBULAR BREAST CANCER SYNDROME. Identifiers: Orphanet 26106, MedGen C1708349, MONDO:0007648, OMIM 137215.

Allele frequency attached by ClinVar (database versions not stated): 1000 Genomes Project 30x 0.00016; 1000 Genomes Project 0.00020; gnomAD exomes below 0.00001; ExAC 0.00001; gnomAD 0.00001.
gnomAD v4.1: 2 of 1,614,086 alleles (0.00012%); highest among the groups gnomAD compares: South Asian, 0.0011%; no homozygotes.

Submissions (3):

Ambry Genetics
Classification: Uncertain significance for Hereditary cancer-predisposing syndrome. Last evaluated: 2026-08-03. Review status: criteria provided, single submitter. Criteria: Ambry Variant Classification Scheme 2023. Collection method: clinical testing. Allele origin: germline.
Comment: The p.N297S variant (also known as c.890A>G), located in coding exon 7 of the CDH1 gene, results from an A to G substitution at nucleotide position 890. The asparagine at codon 297 is replaced by serine, an amino acid with highly similar properties. This amino acid position is highly conserved in available vertebrate species. In addition, this alteration is predicted to be tolerated by in silico analysis. Based on the available evidence, the clinical significance of this variant remains unclear.

Labcorp Genetics (formerly Invitae), Labcorp
Classification: Uncertain significance for Hereditary diffuse gastric adenocarcinoma. Last evaluated: 2025-05-18. Review status: criteria provided, single submitter. Criteria: Invitae Variant Classification Sherloc (09022015). Collection method: clinical testing. Allele origin: germline.
Comment: This sequence change replaces asparagine, which is neutral and polar, with serine, which is neutral and polar, at codon 297 of the CDH1 protein (p.Asn297Ser). This variant is present in population databases (rs572375953, gnomAD 0.003%). This variant has not been reported in the literature in individuals affected with CDH1-related conditions. ClinVar contains an entry for this variant (Variation ID: 1171418). An algorithm developed to predict the effect of missense changes on protein structure and function (PolyPhen-2) suggests that this variant is likely to be disruptive. In summary, the available evidence is currently insufficient to determine the role of this variant in disease. Therefore, it has been classified as a Variant of Uncertain Significance.

Color Diagnostics, LLC DBA Color Health
Classification: Uncertain significance for Hereditary cancer-predisposing syndrome. Last evaluated: 2020-05-26. Review status: criteria provided, single submitter. Criteria: ACMG Guidelines, 2015. Collection method: clinical testing. Allele origin: germline.
Comment: This missense variant replaces asparagine with serine at codon 297 of the CDH1 protein. To our knowledge, functional studies have not been reported for this variant. This variant has not been reported in individuals affected with hereditary cancer in the literature. This variant has been identified in 1/251480 chromosomes in the general population by the Genome Aggregation Database (gnomAD). The available evidence is insufficient to determine the role of this variant in disease conclusively. Therefore, this variant is classified as a Variant of Uncertain Significance.